The following is an entry in ClinVar:

NM_033056.4(PCDH15):c.5043G>A (p.Val1681=)

Gene: PCDH15 (protocadherin related 15; minus strand). Cytogenetic location: 10q21.1.
Variant type: single nucleotide variant.
Coding change: c.5043G>A on transcript NM_033056.4 (MANE Plus Clinical); coding-DNA position 5043, G replaced by A.
Protein change: p.Val1681=; no amino-acid change (valine 1681 retained).
Molecular consequence: synonymous variant. On other transcripts: intron variant (8).
Genome position (GRCh38, 1-based): chr10:53,822,683, C>T on the plus strand (G>A on the coding strand, the complement: PCDH15 is on the minus strand). VCF-style: chr10-53822683-C-T. GRCh37 (hg19) VCF-style: chr10-55582443-C-T.
Other names: c.5064G>A, p.Val1688= (NM_001142763.2); c.5049G>A, p.Val1683= (NM_001142764.2); c.4836G>A, p.Val1612= (NM_001142765.2); c.5034G>A, p.Val1678= (NM_001142766.2); c.4923G>A, p.Val1641= (NM_001142767.2); c.4983G>A, p.Val1661= (NM_001142768.2); c.4974G>A, p.Val1658= (NM_001142773.2); c.4977G>A, p.Val1659= (NM_001354404.2); and 7 more.
Identifiers: ClinVar variation 1146574 (VCV001146574.13), dbSNP rs534821008, ClinGen allele CA5505135.

ClinVar aggregate classification (germline): Likely benign. Review status: criteria provided, multiple submitters, no conflicts (2 of 4 stars). 4 submissions from 4 submitters: Likely benign (4). Last evaluated 2025-10-28.

Conditions:
PCDH15-related disorder. Also called: PCDH15-related condition; PCDH15-related disorders.

Allele frequency attached by ClinVar (database versions not stated): gnomAD exomes 0.00003 and 0.00001; gnomAD 0.00005 and 0.00006; ExAC 0.00004; TOPMed 0.00008; 1000 Genomes Project 30x 0.00016; 1000 Genomes Project 0.00020.
gnomAD v4.1: 10 of 1,614,016 alleles (0.00062%); highest among the groups gnomAD compares: African/African-American, 0.012%; no homozygotes.

Submissions (4):

Labcorp Genetics (formerly Invitae), Labcorp
Classification: Likely benign. Last evaluated: 2025-10-28. Review status: criteria provided, single submitter. Criteria: Invitae Variant Classification Sherloc (09022015). Collection method: clinical testing. Allele origin: germline.

PreventionGenetics, part of Exact Sciences
Classification: Likely benign for PCDH15-related condition. Last evaluated: 2025-05-14. Review status: criteria provided, single submitter. Criteria: ACMG Guidelines, 2015. Collection method: clinical testing. Allele origin: germline.
Comment: This variant is classified as likely benign based on ACMG/AMP sequence variant interpretation guidelines (Richards et al. 2015 PMID: 25741868, with internal and published modifications).

Blueprint Genetics
Classification: Likely benign. Last evaluated: 2021-09-10. Review status: criteria provided, single submitter. Criteria: ACMG Guidelines, 2015. Collection method: clinical testing. Allele origin: germline.

GeneDx
Classification: Likely benign. Last evaluated: 2018-09-24. Review status: criteria provided, single submitter. Criteria: GeneDx Variant Classification Process June 2021. Collection method: clinical testing. Allele origin: germline. Affected: yes.